The following is an entry in ClinVar:

NM_000156.6(GAMT):c.299_311dup (p.Arg105fs)

Gene: GAMT (guanidinoacetate N-methyltransferase; minus strand). Cytogenetic location: 19p13.3.
Variant type: Duplication.
Coding change: c.299_311dup on transcript NM_000156.6 (MANE Select); coding-DNA positions 299 to 311, 13 bases duplicated (GGGACTGGGCCCC).
Protein change: p.Arg105fs; shifts the reading frame from arginine 105.
Molecular consequence: frameshift variant.
Genome position (GRCh38, 1-based): chr19:1,399,809-1,399,821, GGGGCCCAGTCCC duplicated on the plus strand (GGGACTGGGCCCC on the coding strand, the reverse complement: GAMT is on the minus strand); duplicating any 13 consecutive bases within chr19:1,399,809-1,399,823 gives the same sequence; the c. name uses the placement nearest the transcript's 3' end. VCF-style (leftmost placement, unchanged base first): chr19-1399808-T-TGGGGCCCAGTCCC. GRCh37 (hg19) VCF-style: chr19-1399807-T-TGGGGCCCAGTCCC.
Other names: NM_000156.6(GAMT):c.299_311dup; p.Arg105fs; c.299_311dupGGGACTGGGCCCC (NM_000156.5); c.299_311dup (NM_000156.5, NM_000156.4); c.299_311dup, p.Arg105fs (NM_138924.3); short protein forms R105fs.
Identifiers: ClinVar variation 8302 (VCV000008302.33), dbSNP rs80338736, ClinGen allele CA340767.
Genomic context (GRCh38, chr19:1,399,808, plus strand): 5'-CCCCAAGGAGTGGGGGTCCTGGAGGGCCTGCGGGCAGAGGGGCACCTTGTGTGTCTGCCG[T>TGGGGCCCAGTCCC]GGGGCCCAGTCCCGGAGCCGCTGGAAGACGCCGTCATTGCACTCGATGATCCAATGCTCA-3'

ClinVar aggregate classification (germline): Pathogenic. Review status: reviewed by expert panel (3 of 4 stars). 13 submissions from 13 submitters: Pathogenic (1). 12 of the submissions do not count toward it. Last evaluated 2022-06-06.

Conditions:
Cerebral creatine deficiency syndrome. Also called: Creatine deficiency syndromes. Identifiers: Orphanet 79172, MedGen C5244016, MONDO:0000456.
Deficiency of guanidinoacetate methyltransferase (CCDS2). Also called: Guanidinoacetate Methyltransferase (GAMT) Deficiency; GAMT DEFICIENCY; CEREBRAL CREATINE DEFICIENCY SYNDROME 2. Identifiers: Orphanet 382, MedGen C0574080, MONDO:0012999, OMIM 612736.
Inborn genetic diseases. Identifiers: MedGen C0950123, MeSH D030342.

Submissions 1 to 8 of 13:

ClinGen Cerebral Creatine Deficiency Syndromes Variant Curation Expert Panel, ClinGen
Classification: Pathogenic for Deficiency of guanidinoacetate methyltransferase. Last evaluated: 2022-06-06. Review status: reviewed by expert panel. Criteria: ClinGen_CCDS_ACMG_Specifications_GAMT_v1.1. Collection method: curation. Allele origin: germline. Inheritance: Autosomal recessive inheritance.
Comment: The NM_000156.6:c.299_311dup (p. Arg105GlyfsTer26) in GAMT is a frameshift variant predicted to cause a premature stop codon in biologically relevant 3/6 leading to nonsense mediated decay in a gene in which loss-of-function is an established disease mechanism (PVS1). At least 4 probands with biochemical and clinical features consistent with GAMT deficiency have been reported, including patients with elevated plasma guanidinoacetate, and absent creatine peak and evidence of guanidinoacetate peak on magnetic resonance spectroscopy (PMIDs 8651275, 19027335, 19388150, 23660394, 29506905) (PP4_Strong). These patients include one homozygote (with a homozygous affected sibling) (PMID 23234264; 0.5 points; possibly same patient reported in PMID 29506905); and a proband who is compound heterozygous for the variant and c.327G>A (pathogenic based on assessment by the ClinGen CCDS VCEP), confirmed in trans (PMID 8651275, 19027335, 24268530) (PM3). The highest population minor allele frequency in gnomAD v2.1.1 is 0.0001175 in the European non-Finnish population, which is lower than the ClinGen CCDS VCEP's threshold for PM2_Supporting (<0.0004), meeting this criterion (PM2_Supporting). There is a ClinVar entry for this variant (Variation ID: 8302). In summary, this variant meets the criteria to be classified as pathogenic for GAMT deficiency. GAMT-specific ACMG/AMP codes met, as specified by the ClinGen Cerebral Creatine Deficiency Syndromes VCEP (Specifications Version 1.1.0): PVS1, PM3, PP4_Strong, PM2_Supporting. (Classification approved by the ClinGen CCDS VCEP on June 6, 2022).

Labcorp Genetics (formerly Invitae), Labcorp
Classification: Pathogenic for Cerebral creatine deficiency syndrome. Last evaluated: 2025-12-03. Review status: criteria provided, single submitter. Criteria: Invitae Variant Classification Sherloc (09022015). Collection method: clinical testing. Allele origin: germline. Not counted in ClinVar's aggregate classification.
Comment: This sequence change creates a premature translational stop signal (p.Arg105Glyfs*26) in the GAMT gene. It is expected to result in an absent or disrupted protein product. Loss-of-function variants in GAMT are known to be pathogenic (PMID: 15108290). This variant is present in population databases (rs756953118, gnomAD 0.01%). This premature translational stop signal has been observed in individual(s) with guanidinoacetatemethyltransferase (GAMT) deficiency (PMID: 8651275, 19027335, 23234264, 23660394). It has also been observed to segregate with disease in related individuals. This variant is also known as 309ins13 or c.297_309dup. ClinVar contains an entry for this variant (Variation ID: 8302). For these reasons, this variant has been classified as Pathogenic.

Natera, Inc.
Classification: Pathogenic for Guanidinoacetate methyltransferase deficiency. Last evaluated: 2025-11-26. Review status: criteria provided, single submitter. Criteria: Natera Variant Classification Schema (03/2026). Collection method: clinical testing. Allele origin: germline. Not counted in ClinVar's aggregate classification.
Comment: The c.299_311dupGGGACTGGGCCCC variant in GAMT is a frameshift variant predicted to shift the reading frame beginning at codon 105 and leads to a stop codon 26 codons downstream. This variant is expected to result in nonsense mediated decay, truncation, or a dysfunctional protein product. This variant is rare in the general population with a frequency below the threshold expected for the associated phenotype(s). This variant has been observed in one or more individuals affected with the associated recessive disease, as either homozygous or compound heterozygous with a second variant (PMID: 23660394, 19388150). Given the available evidence, this variant is classified as Pathogenic.

Institute of Human Genetics, University of Leipzig Medical Center
Classification: Pathogenic for Deficiency of guanidinoacetate methyltransferase. Last evaluated: 2025-04-09. Review status: criteria provided, single submitter. Criteria: ACMG Guidelines, 2015. Collection method: clinical testing. Allele origin: unknown. Inheritance: Autosomal recessive inheritance. Affected: yes. Not counted in ClinVar's aggregate classification.
Comment: Criteria applied: PVS1,PP4_STR,PM3,PM2_SUP; Identified as compund heterozygous with NM_000156.6:c.327G>A

Fulgent Genetics
Classification: Pathogenic for Deficiency of guanidinoacetate methyltransferase. Last evaluated: 2023-12-26. Review status: criteria provided, single submitter. Criteria: ACMG Guidelines, 2015. Collection method: clinical testing. Allele origin: germline. Not counted in ClinVar's aggregate classification.

Department of Pathology and Laboratory Medicine, Sinai Health System
Classification: Pathogenic for Deficiency of guanidinoacetate methyltransferase. Last evaluated: 2023-05-26. Review status: criteria provided, single submitter. Criteria: ACMG Guidelines, 2015. Collection method: research. Allele origin: germline. Not counted in ClinVar's aggregate classification.

Victorian Clinical Genetics Services, Murdoch Childrens Research Institute
Classification: Pathogenic for Deficiency of guanidinoacetate methyltransferase. Last evaluated: 2022-02-02. Review status: criteria provided, single submitter. Criteria: ACMG Guidelines, 2015. Collection method: clinical testing. Allele origin: germline. Inheritance: Autosomal recessive inheritance. Not counted in ClinVar's aggregate classification.
Comment: Based on the classification scheme VCGS_Germline_v1.3.4, this variant is classified as Pathogenic. Following criteria are met: 0102 - Loss of function is a known mechanism of disease in this gene and is associated with cerebral creatine deficiency syndrome 2 (MIM#612736). (I) 0106 - This gene is associated with autosomal recessive disease. (I) 0201 - Variant is predicted to cause nonsense-mediated decay (NMD) and loss of protein (premature termination codon is located at least 54 nucleotides upstream of the final exon-exon junction). (SP) 0251 - This variant is heterozygous. (I) 0304 - Variant is present in gnomAD (v2) <0.01 for a recessive condition (11 heterozygotes, 0 homozygotes). (SP) 0701 - Other NMD predicted variants comparable to the one identified in this case have very strong previous evidence for pathogenicity (DECIPHER). (SP) 0801 - This variant has strong previous evidence of pathogenicity in unrelated individuals. This variant has been observed in multiple individuals with cerebral creatine deficiency (also known as GAMT deficiency, ClinVar, PMIDs: 24071436, 24276113, 29506905). (SP) 1208 - Inheritance information for this variant is not currently available in this individual. (I) Legend: (SP) - Supporting pathogenic, (I) - Information, (SB) - Supporting benign

GeneDx
Classification: Pathogenic. Last evaluated: 2021-11-29. Review status: criteria provided, single submitter. Criteria: GeneDx Variant Classification Process June 2021. Collection method: clinical testing. Allele origin: germline. Affected: yes. Not counted in ClinVar's aggregate classification.
Comment: Frameshift variant predicted to result in protein truncation or nonsense mediated decay in a gene for which loss-of-function is a known mechanism of disease; Not observed at significant frequency in large population cohorts (Lek et al., 2016); This variant is associated with the following publications: (PMID: 19027335, 8651275, 23660394, 29655203, 23234264)